The following is an entry in ClinVar:

ClinVar aggregate classification (germline): Uncertain significance. Review status: criteria provided, multiple submitters, no conflicts (2 of 4 stars). 2 submissions from 2 submitters: Uncertain significance (2). Last evaluated 2024-09-16.

Conditions:
Inborn genetic diseases. Identifiers: MedGen C0950123, MeSH D030342.
MHC class I deficiency. Identifiers: Orphanet 34592, MedGen C6024714, MONDO:0011476.

Allele frequency attached by ClinVar (database versions not stated): gnomAD exomes below 0.00001 and 0.00001; TOPMed 0.00003; gnomAD 0.00003.

Submissions (2):

Labcorp Genetics (formerly Invitae), Labcorp
Classification: Uncertain significance for MHC class I deficiency 1. Last evaluated: 2024-09-16. Review status: criteria provided, single submitter. Criteria: Invitae Variant Classification Sherloc (09022015). Collection method: clinical testing. Allele origin: germline.
Comment: This sequence change replaces threonine, which is neutral and polar, with methionine, which is neutral and non-polar, at codon 458 of the TAP2 protein (p.Thr458Met). This variant is present in population databases (rs200271380, gnomAD 0.003%). This variant has not been reported in the literature in individuals affected with TAP2-related conditions. ClinVar contains an entry for this variant (Variation ID: 641651). Experimental studies and prediction algorithms are not available or were not evaluated, and the functional significance of this variant is currently unknown. In summary, the available evidence is currently insufficient to determine the role of this variant in disease. Therefore, it has been classified as a Variant of Uncertain Significance.

Ambry Genetics
Classification: Uncertain significance for Inborn genetic diseases. Last evaluated: 2023-09-20. Review status: criteria provided, single submitter. Criteria: Ambry Variant Classification Scheme 2023. Collection method: clinical testing. Allele origin: germline.

NM_001290043.2(TAP2):c.1373C>T (p.Thr458Met)

Gene: TAP2 (transporter 2, ATP binding cassette subfamily B member; minus strand). Cytogenetic location: 6p21.32.
Variant type: single nucleotide variant.
Coding change: c.1373C>T on transcript NM_001290043.2 (MANE Select); coding-DNA position 1373, C replaced by T.
Protein change: p.Thr458Met; replaces threonine 458 with methionine.
Molecular consequence: missense variant.
Genome position (GRCh38, 1-based): chr6:32,830,706, G>A on the plus strand (C>T on the coding strand, the complement: TAP2 is on the minus strand). VCF-style: chr6-32830706-G-A. GRCh37 (hg19) VCF-style: chr6-32798483-G-A.
Other names: c.1373C>T, p.Thr458Met (NM_000544.3, NM_018833.3); short protein forms T458M.
Identifiers: ClinVar variation 641651 (VCV000641651.6), dbSNP rs200271380, ClinGen allele CA136998764.